The following is an entry in ClinVar:

NM_001854.4(COL11A1):c.2506A>G (p.Lys836Glu)

Gene: COL11A1 (collagen type XI alpha 1 chain; minus strand). Cytogenetic location: 1p21.1.
Variant type: single nucleotide variant.
Coding change: c.2506A>G on transcript NM_001854.4 (MANE Select); coding-DNA position 2506, A replaced by G.
Protein change: p.Lys836Glu; replaces lysine 836 with glutamic acid.
Molecular consequence: missense variant. On other transcripts: non-coding transcript variant (1).
Genome position (GRCh38, 1-based): chr1:102,984,188, T>C on the plus strand (A>G on the coding strand, the complement: COL11A1 is on the minus strand). VCF-style: chr1-102984188-T-C. GRCh37 (hg19) VCF-style: chr1-103449744-T-C.
Other names: c.2389A>G, p.Lys797Glu (NM_001190709.2); c.2542A>G, p.Lys848Glu (NM_080629.3); c.2158A>G, p.Lys720Glu (NM_080630.4); short protein forms K836E, K848E, K720E, K797E.
Identifiers: ClinVar variation 873959 (VCV000873959.9), dbSNP rs1319482941, ClinGen allele CA341165168.

ClinVar aggregate classification (germline): Uncertain significance. Review status: criteria provided, multiple submitters, no conflicts (2 of 4 stars). 3 submissions from 2 submitters: Uncertain significance (3). Last evaluated 2023-07-07.

Conditions:
Fibrochondrogenesis 1 (FBCG1). Identifiers: Orphanet 2021, MedGen C3278138, MONDO:0009226, OMIM 228520.
Stickler syndrome type 2 (STL2). Also called: COL11A1-Related Stickler Syndrome; STICKLER SYNDROME, TYPE II; STICKLER SYNDROME, BEADED VITREOUS TYPE; STICKLER SYNDROME, VITREOUS TYPE 2. Identifiers: Orphanet 828, Orphanet 90654, MedGen C1858084, MONDO:0011493, OMIM 604841.

Allele frequency attached by ClinVar (database versions not stated): gnomAD exomes below 0.00001; gnomAD 0.00002 and 0.00003.
gnomAD v4.1: 4 of 1,586,076 alleles (0.00025%); highest among the groups gnomAD compares: Non-Finnish European, 0.00035%; no homozygotes.

Submissions (3):

Labcorp Genetics (formerly Invitae), Labcorp
Classification: Uncertain significance. Last evaluated: 2023-07-07. Review status: criteria provided, single submitter. Criteria: Invitae Variant Classification Sherloc (09022015). Collection method: clinical testing. Allele origin: germline.
Comment: This variant is present in population databases (no rsID available, gnomAD 0.03%). In summary, the available evidence is currently insufficient to determine the role of this variant in disease. Therefore, it has been classified as a Variant of Uncertain Significance. Advanced modeling of protein sequence and biophysical properties (such as structural, functional, and spatial information, amino acid conservation, physicochemical variation, residue mobility, and thermodynamic stability) performed at Invitae indicates that this missense variant is not expected to disrupt COL11A1 protein function. ClinVar contains an entry for this variant (Variation ID: 873959). This variant has not been reported in the literature in individuals affected with COL11A1-related conditions. This sequence change replaces lysine, which is basic and polar, with glutamic acid, which is acidic and polar, at codon 836 of the COL11A1 protein (p.Lys836Glu).

Illumina Laboratory Services, Illumina
Classification: Uncertain significance for Fibrochondrogenesis 1. Last evaluated: 2018-01-13. Review status: criteria provided, single submitter. Criteria: ICSL Variant Classification Criteria 13 December 2019. Collection method: clinical testing. Allele origin: germline.

Illumina Laboratory Services, Illumina
Classification: Uncertain significance for Stickler syndrome type 2. Last evaluated: 2018-01-13. Review status: criteria provided, single submitter. Criteria: ICSL Variant Classification Criteria 13 December 2019. Collection method: clinical testing. Allele origin: germline.